The following is an entry in ClinVar:

ClinVar aggregate classification (germline): Likely benign. Review status: criteria provided, multiple submitters, no conflicts (2 of 4 stars). 6 submissions from 6 submitters: Likely benign (4). 2 of the submissions do not count toward it. Last evaluated 2026-02-01.

Conditions:
FLNC-related disorder. Also called: FLNC-related disorders; FLNC-related condition.
Cardiovascular phenotype. Identifiers: MedGen CN230736.
Hypertrophic cardiomyopathy 26. Also called: Cardiomyopathy, familial hypertrophic, 26. Identifiers: Orphanet 75249, MedGen C4310749, MONDO:0014883, OMIM 617047.
Distal myopathy with posterior leg and anterior hand involvement. Also called: WILLIAMS DISTAL MYOPATHY. Identifiers: Orphanet 63273, MedGen C3279722, MONDO:0013550, OMIM 614065.
Myofibrillar myopathy 5. Also called: Filaminopathy (type); FILAMINOPATHY, AUTOSOMAL DOMINANT. Identifiers: Orphanet 171445, MedGen C1836050, MONDO:0012289, OMIM 609524.

Allele frequency attached by ClinVar (database versions not stated): TOPMed 0.00002; 1000 Genomes Project 30x 0.00031; 1000 Genomes Project 0.00040.
gnomAD v4.1: 75 of 1,613,964 alleles (0.0046%); highest among the groups gnomAD compares: East Asian, 0.056%; no homozygotes.

Submissions (6):

Labcorp Genetics (formerly Invitae), Labcorp
Classification: Likely benign for Distal myopathy with posterior leg and anterior hand involvement; Myofibrillar myopathy 5; Hypertrophic cardiomyopathy 26. Last evaluated: 2026-02-01. Review status: criteria provided, single submitter. Criteria: Invitae Variant Classification Sherloc (09022015). Collection method: clinical testing. Allele origin: germline.

PreventionGenetics, part of Exact Sciences
Classification: Likely benign for FLNC-related condition. Last evaluated: 2025-04-30. Review status: criteria provided, single submitter. Criteria: ACMG Guidelines, 2015. Collection method: clinical testing. Allele origin: germline.
Comment: This variant is classified as likely benign based on ACMG/AMP sequence variant interpretation guidelines (Richards et al. 2015 PMID: 25741868, with internal and published modifications).

Ambry Genetics
Classification: Likely benign for Cardiovascular phenotype. Last evaluated: 2022-03-11. Review status: criteria provided, single submitter. Criteria: Ambry Variant Classification Scheme 2023. Collection method: clinical testing. Allele origin: germline.

GeneDx
Classification: Likely benign. Last evaluated: 2020-09-22. Review status: criteria provided, single submitter. Criteria: GeneDx Variant Classification Process June 2021. Collection method: clinical testing. Allele origin: germline. Affected: yes.

Clinical Genetics, Academic Medical Center
Classification: Uncertain significance. Review status: no assertion criteria provided. Collection method: clinical testing. Allele origin: germline. Affected: yes. Study: VKGL Data-share Consensus. Not counted in ClinVar's aggregate classification.

Genome Diagnostics Laboratory, Amsterdam University Medical Center
Classification: Uncertain significance. Review status: no assertion criteria provided. Collection method: clinical testing. Allele origin: germline. Affected: yes. Study: VKGL Data-share Consensus. Not counted in ClinVar's aggregate classification.

NM_001458.5(FLNC):c.3055G>A (p.Gly1019Ser)

Gene: FLNC (filamin C; plus strand). Cytogenetic location: 7q32.1.
Variant type: single nucleotide variant.
Coding change: c.3055G>A on transcript NM_001458.5 (MANE Select); coding-DNA position 3055, G replaced by A.
Protein change: p.Gly1019Ser; replaces glycine 1019 with serine.
Molecular consequence: missense variant.
Genome position (GRCh38, 1-based): chr7:128,844,129, G>A. VCF-style: chr7-128844129-G-A. GRCh37 (hg19) VCF-style: chr7-128484183-G-A.
Other names: c.3055G>A, p.Gly1019Ser (NM_001127487.2); short protein forms G1019S.
Identifiers: ClinVar variation 539476 (VCV000539476.20), dbSNP rs200864007, ClinGen allele CA4474943.